The following is an entry in ClinVar:

ClinVar aggregate classification (germline): Pathogenic (1 of 4 stars; one submission).

Submission:

Labcorp Genetics (formerly Invitae), Labcorp
Classification: Pathogenic. Last evaluated: 2022-08-10. Review status: criteria provided, single submitter. Criteria: Invitae Variant Classification Sherloc (09022015). Collection method: clinical testing. Allele origin: germline.
Comment: For these reasons, this variant has been classified as Pathogenic. This variant has not been reported in the literature in individuals affected with HSPG2-related conditions. This variant is not present in population databases (gnomAD no frequency). This sequence change creates a premature translational stop signal (p.Gly552Trpfs*49) in the HSPG2 gene. It is expected to result in an absent or disrupted protein product. Loss-of-function variants in HSPG2 are known to be pathogenic (PMID: 11279527, 16927315, 20542149, 23836246).

Literature cited by the submitters: PubMed 11279527; PubMed 16927315; PubMed 20542149; PubMed 23836246.

NM_005529.7(HSPG2):c.1653_1654insT (p.Gly552fs)

Gene: HSPG2 (heparan sulfate proteoglycan 2; minus strand). Cytogenetic location: 1p36.12.
Variant type: Insertion.
Coding change: c.1653_1654insT on transcript NM_005529.7 (MANE Select); coding-DNA positions 1653 to 1654, T inserted.
Protein change: p.Gly552fs; shifts the reading frame from glycine 552.
Molecular consequence: frameshift variant.
Genome position: GRCh38 VCF-style: chr1-21884528-C-CA. GRCh37 (hg19) VCF-style: chr1-22211021-C-CA.
Other names: c.1656_1657insT, p.Gly553fs (NM_001291860.2); short protein forms G553fs, G552fs.
Identifiers: ClinVar variation 2023431 (VCV002023431.4), dbSNP rs2550792393, ClinGen allele CA2580061478.